The following is an entry in ClinVar:

NM_004385.5(VCAN):c.5463G>C (p.Leu1821=)

Genes: VCAN (versican; plus strand), VCAN-AS1 (VCAN antisense RNA 1; minus strand). Cytogenetic location: 5q14.3.
Variant type: single nucleotide variant.
Coding change: c.5463G>C on transcript NM_004385.5 (MANE Select); coding-DNA position 5463, G replaced by C.
Protein change: p.Leu1821=; no amino-acid change (leucine 1821 retained).
Molecular consequence: synonymous variant. On other transcripts: intron variant (2).
Genome position (GRCh38, 1-based): chr5:83,538,466, G>C. VCF-style: chr5-83538466-G-C. GRCh37 (hg19) VCF-style: chr5-82834285-G-C.
Other names: c.2502G>C, p.Leu834= (NM_001164097.2); c.4004-7071G>C (NM_001164098.2); c.1043-7071G>C (NM_001126336.3); c.5463G>C (NM_004385.4).
Identifiers: ClinVar variation 1559903 (VCV001559903.10), dbSNP rs1431126727, ClinGen allele CA445398272.

ClinVar aggregate classification (germline): Likely benign. Review status: criteria provided, single submitter (1 of 4 stars). 2 submissions from 2 submitters: Likely benign (1). 1 of the submissions does not count toward it. Last evaluated 2024-11-18.

Conditions:
VCAN-related disorder. Also called: VCAN-related condition.

Allele frequency attached by ClinVar (database versions not stated): gnomAD exomes below 0.00001; TOPMed below 0.00001; gnomAD 0.00001.
gnomAD v4.1: 3 of 1,613,850 alleles (0.00019%); highest among the groups gnomAD compares: Admixed American, 0.0033%; no homozygotes.

Submissions (2):

Labcorp Genetics (formerly Invitae), Labcorp
Classification: Likely benign. Last evaluated: 2024-11-18. Review status: criteria provided, single submitter. Criteria: Invitae Variant Classification Sherloc (09022015). Collection method: clinical testing. Allele origin: germline.

PreventionGenetics, part of Exact Sciences
Classification: Likely benign for VCAN-related condition. Last evaluated: 2023-10-16. Review status: no assertion criteria provided. Collection method: clinical testing. Allele origin: germline. Not counted in ClinVar's aggregate classification.
Comment: This variant is classified as likely benign based on ACMG/AMP sequence variant interpretation guidelines (Richards et al. 2015 PMID: 25741868, with internal and published modifications).